The following is an entry in ClinVar:

NM_012193.4(FZD4):c.568C>T (p.Gln190Ter)

Genes: FZD4 (frizzled class receptor 4; minus strand), PRSS23 (serine protease 23; plus strand). Cytogenetic location: 11q14.2.
Variant type: single nucleotide variant.
Coding change: c.568C>T on transcript NM_012193.4 (MANE Select); coding-DNA position 568, C replaced by T.
Protein change: p.Gln190Ter; replaces glutamine 190 with a stop codon.
Molecular consequence: nonsense. On other transcripts: non-coding transcript variant (2).
Genome position (GRCh38, 1-based): chr11:86,952,188, G>A on the plus strand (C>T on the coding strand, the complement: FZD4 is on the minus strand). VCF-style: chr11-86952188-G-A. GRCh37 (hg19) VCF-style: chr11-86663230-G-A.
Other names: short protein forms Q190*.
Identifiers: ClinVar variation 4764697 (VCV004764697.1).

ClinVar aggregate classification (germline): Pathogenic (1 of 4 stars; one submission).

gnomAD v4.1: 1 of 1,613,260 alleles (0.000062%); highest among the groups gnomAD compares: Non-Finnish European, 0.000085%; no homozygotes.

Submission:

Labcorp Genetics (formerly Invitae), Labcorp
Classification: Pathogenic. Last evaluated: 2025-04-17. Review status: criteria provided, single submitter. Criteria: Invitae Variant Classification Sherloc (09022015). Collection method: clinical testing. Allele origin: germline.
Comment: This sequence change creates a premature translational stop signal (p.Gln190*) in the FZD4 gene. While this is not anticipated to result in nonsense mediated decay, it is expected to disrupt the last 348 amino acid(s) of the FZD4 protein. This variant is not present in population databases (gnomAD no frequency). This variant has not been reported in the literature in individuals affected with FZD4-related conditions. This variant disrupts a region of the FZD4 protein in which other variant(s) (p.Trp496*) have been determined to be pathogenic (PMID: 19324841, 30452590). This suggests that this is a clinically significant region of the protein, and that variants that disrupt it are likely to be disease-causing. For these reasons, this variant has been classified as Pathogenic.

Literature cited by the submitters: PubMed 19324841; PubMed 30452590.